The following is an entry in ClinVar:

ClinVar aggregate classification (germline): Uncertain significance (1 of 4 stars; one submission).

Allele frequency attached by ClinVar (database versions not stated): ExAC 0.00001; gnomAD 0.00001 and 0.00002; gnomAD exomes 0.00001; TOPMed 0.00003; ESP Exome Variant Server 0.00008.
gnomAD v4.1: 16 of 1,612,706 alleles (0.00099%); highest among the groups gnomAD compares: East Asian, 0.0045%; no homozygotes.

Submission:

GeneDx
Classification: Uncertain significance. Last evaluated: 2020-01-23. Review status: criteria provided, single submitter. Criteria: GeneDx Variant Classification Process June 2021. Collection method: clinical testing. Allele origin: germline. Affected: yes.
Comment: Not observed at a significant frequency in large population cohorts (Lek et al., 2016); Missense variant in a gene in which most reported pathogenic variants are truncating/loss-of-function; This variant is associated with the following publications: (PMID: 31879508, 31983221)

NM_001267550.2(TTN):c.69077T>C (p.Phe23026Ser)

Genes: TTN (titin; minus strand), TTN-AS1 (TTN antisense RNA 1; plus strand). Cytogenetic location: 2q31.2.
Variant type: single nucleotide variant.
Coding change: c.69077T>C on transcript NM_001267550.2 (MANE Select); coding-DNA position 69077, T replaced by C.
Protein change: p.Phe23026Ser; replaces phenylalanine 23026 with serine.
Molecular consequence: missense variant.
Genome position (GRCh38, 1-based): chr2:178,577,258, A>G on the plus strand (T>C on the coding strand, the complement: TTN is on the minus strand). VCF-style: chr2-178577258-A-G. GRCh37 (hg19) VCF-style: chr2-179441985-A-G.
Other names: c.64154T>C, p.Phe21385Ser (NM_001256850.1); c.41882T>C, p.Phe13961Ser (NM_003319.4); c.61373T>C, p.Phe20458Ser (NM_133378.4); c.42257T>C, p.Phe14086Ser (NM_133432.3); c.42458T>C, p.Phe14153Ser (NM_133437.4); short protein forms F13961S, F14086S, F14153S, F20458S, F21385S, F23026S.
Identifiers: ClinVar variation 1315309 (VCV001315309.2), dbSNP rs375365023, ClinGen allele CA1990991.